The following is an entry in ClinVar:

ClinVar aggregate classification (germline): Likely benign. Review status: criteria provided, multiple submitters, no conflicts (2 of 4 stars). 3 submissions from 3 submitters: Likely benign (3). Last evaluated 2026-05-28.

Conditions:
PDE6B-related disorder. Also called: PDE6B-related disease; PDE6B-related condition; PDE6B-related disorders.

Allele frequency attached by ClinVar (database versions not stated): gnomAD 0.00005; gnomAD exomes 0.00005 and 0.00008; TOPMed 0.00008; ExAC 0.00009; ESP Exome Variant Server 0.00015.
gnomAD v4.1: 119 of 1,612,220 alleles (0.0074%); highest among the groups gnomAD compares: Non-Finnish European, 0.0093%; no homozygotes.

Submissions (3):

PreventionGenetics, part of Exact Sciences
Classification: Likely benign for PDE6B-related condition. Last evaluated: 2026-05-28. Review status: criteria provided, single submitter. Criteria: ACMG Guidelines, 2015. Collection method: clinical testing. Allele origin: germline.
Comment: This variant is classified as likely benign based on ACMG/AMP sequence variant interpretation guidelines (Richards et al. 2015 PMID: 25741868, with internal and published modifications).

Labcorp Genetics (formerly Invitae), Labcorp
Classification: Likely benign. Last evaluated: 2024-10-24. Review status: criteria provided, single submitter. Criteria: Invitae Variant Classification Sherloc (09022015). Collection method: clinical testing. Allele origin: germline.

Blueprint Genetics
Classification: Likely benign. Last evaluated: 2022-10-24. Review status: criteria provided, single submitter. Criteria: ACMG Guidelines, 2015. Collection method: clinical testing. Allele origin: germline.

NM_000283.4(PDE6B):c.2325C>T (p.Ile775=)

Gene: PDE6B (phosphodiesterase 6B; plus strand). Cytogenetic location: 4p16.3.
Variant type: single nucleotide variant.
Coding change: c.2325C>T on transcript NM_000283.4 (MANE Select); coding-DNA position 2325, C replaced by T.
Protein change: p.Ile775=; no amino-acid change (isoleucine 775 retained).
Molecular consequence: synonymous variant.
Genome position (GRCh38, 1-based): chr4:666,587, C>T. VCF-style: chr4-666587-C-T. GRCh37 (hg19) VCF-style: chr4-660376-C-T.
Other names: c.2325C>T, p.Ile775= (NM_001145291.2); c.1488C>T, p.Ile496= (NM_001145292.2, NM_001350154.3, NM_001379246.1 and 1 more transcripts); c.1170C>T, p.Ile390= (NM_001350155.3).
Identifiers: ClinVar variation 750081 (VCV000750081.10), dbSNP rs373351939, ClinGen allele CA2795008.